The following is an entry in ClinVar:

NM_025179.4(PLXNA2):c.4681G>T (p.Ala1561Ser)

Gene: PLXNA2 (plexin A2; minus strand). Cytogenetic location: 1q32.2.
Variant type: single nucleotide variant.
Coding change: c.4681G>T on transcript NM_025179.4 (MANE Select); coding-DNA position 4681, G replaced by T.
Protein change: p.Ala1561Ser; replaces alanine 1561 with serine.
Molecular consequence: missense variant.
Genome position (GRCh38, 1-based): chr1:208,038,454, C>A on the plus strand (G>T on the coding strand, the complement: PLXNA2 is on the minus strand). VCF-style: chr1-208038454-C-A. GRCh37 (hg19) VCF-style: chr1-208211799-C-A.
Other names: short protein forms A1561S.
Identifiers: ClinVar variation 3358159 (VCV003358159.1).

ClinVar aggregate classification (germline): Uncertain significance (0 of 4 stars; one submission).

Conditions:
PLXNA2-related disorder. Also called: PLXNA2-related condition.

gnomAD v4.1: 5 of 1,614,068 alleles (0.00031%); highest among the groups gnomAD compares: East Asian, 0.0067%; no homozygotes.

Submission:

PreventionGenetics, part of Exact Sciences
Classification: Uncertain significance for PLXNA2-related condition. Last evaluated: 2024-08-20. Review status: no assertion criteria provided. Collection method: clinical testing. Allele origin: germline.
Comment: The PLXNA2 c.4681G>T variant is predicted to result in the amino acid substitution p.Ala1561Ser. To our knowledge, this variant has not been reported in the literature. This variant is reported in 0.011% of alleles in individuals of East Asian descent in gnomAD. At this time, the clinical significance of this variant is uncertain due to the absence of conclusive functional and genetic evidence.